The following is an entry in ClinVar:

ClinVar aggregate classification (germline): Uncertain significance. Review status: criteria provided, single submitter (1 of 4 stars). 3 submissions from 3 submitters: Uncertain significance (1). 2 of the submissions do not count toward it. Last evaluated 2024-04-02.

Conditions:
Charcot-Marie-Tooth disease. Also called: Charcot-Marie-Tooth Hereditary Neuropathy; Charcot-Marie-Tooth Neuropathy. Identifiers: Orphanet 166, MedGen C0007959, MONDO:0015626.
Charcot-Marie-Tooth disease type 4A. Also called: Charcot-Marie-Tooth disease, demyelinating, autosomal recessive, type 4a. Identifiers: Orphanet 99948, MedGen C1859198, MONDO:0008961, OMIM 214400.

Submissions (3):

Women's Health and Genetics/Laboratory Corporation of America, LabCorp
Classification: Uncertain significance. Last evaluated: 2024-04-02. Review status: criteria provided, single submitter. Criteria: LabCorp Variant Classification Summary - May 2015. Collection method: clinical testing. Allele origin: germline.
Comment: Variant summary: GDAP1 c.891C>G (p.Asn297Lys) results in a non-conservative amino acid change located in the Glutathione S-transferase, C-terminal-like domain (IPR010987) of the encoded protein sequence. Five of five in-silico tools predict a damaging effect of the variant on protein function. The variant was absent in 251464 control chromosomes (gnomAD). The available data on variant occurrences in the general population are insufficient to allow any conclusion about variant significance. c.891C>G has been reported in the literature in individuals affected with Charcot-Marie-Tooth disease (AR-CMT2) (example: Moroni_2009). These report(s) do not provide unequivocal conclusions about association of the variant with Charcot-Marie Disease Type 4A. To our knowledge, no experimental evidence demonstrating an impact on protein function has been reported. The following publication has been ascertained in the context of this evaluation (PMID: 19500985). ClinVar contains an entry for this variant (Variation ID: 637932). Based on the evidence outlined above, the variant was classified as uncertain significance.

Inherited Neuropathy Consortium Ii, University Of Miami
Classification: Uncertain significance for Charcot-Marie-Tooth disease type 4A. Last evaluated: 2016-01-06. Review status: no assertion criteria provided. Collection method: literature only. Allele origin: germline. Affected: yes. Not counted in ClinVar's aggregate classification.

Inherited Neuropathy Consortium
Classification: Uncertain significance for Charcot-Marie-Tooth disease. Review status: no assertion criteria provided. Collection method: literature only. Allele origin: germline. Affected: yes. Not counted in ClinVar's aggregate classification.

Literature cited by the submitters: PubMed 19500985 (cited by 3 submitters).

NM_018972.4(GDAP1):c.891C>G (p.Asn297Lys)

Gene: GDAP1 (ganglioside induced differentiation associated protein 1; plus strand). Cytogenetic location: 8q21.11.
Variant type: single nucleotide variant.
Coding change: c.891C>G on transcript NM_018972.4 (MANE Select); coding-DNA position 891, C replaced by G.
Protein change: p.Asn297Lys; replaces asparagine 297 with lysine.
Molecular consequence: missense variant. On other transcripts: intron variant (1).
Genome position (GRCh38, 1-based): chr8:74,364,181, C>G. VCF-style: chr8-74364181-C-G. GRCh37 (hg19) VCF-style: chr8-75276416-C-G.
Other names: c.891C>G (NM_018972.2); c.687C>G, p.Asn229Lys (NM_001040875.4); c.564C>G, p.Asn188Lys (NM_001362929.2, NM_001362932.2); c.717C>G, p.Asn239Lys (NM_001362930.2); c.694+1128C>G (NM_001362931.2); short protein forms N297K, N229K, N239K, N188K.
Identifiers: ClinVar variation 637932 (VCV000637932.3), dbSNP rs1586807449, ClinGen allele CA371550483.
Genomic context (GRCh38, chr8:74,364,181, plus strand): 5'-AACCTATTACGAGCGTGTCTTGAAGAGAAAAACATTTAACAAGGTTTTAGGACATGTCAA[C>G]AATATATTAATCTCTGCAGTGCTGCCAACAGCATTCCGGGTGGCCAAGAAAAGGGCCCCA-3'
Protein context (NP_061845.2, residues 287-307): KTFNKVLGHV[Asn297Lys]NILISAVLPT